The following is an entry in ClinVar:

NM_001128840.3(CACNA1D):c.4374G>C (p.Leu1458=)

Gene: CACNA1D (calcium voltage-gated channel subunit alpha1 D; plus strand). Cytogenetic location: 3p21.1.
Variant type: single nucleotide variant.
Coding change: c.4374G>C on transcript NM_001128840.3 (MANE Select); coding-DNA position 4374, G replaced by C.
Protein change: p.Leu1458=; no amino-acid change (leucine 1458 retained).
Molecular consequence: synonymous variant.
Genome position (GRCh38, 1-based): chr3:53,776,614, G>C. VCF-style: chr3-53776614-G-C. GRCh37 (hg19) VCF-style: chr3-53810641-G-C.
Other names: c.4434G>C, p.Leu1478= (NM_000720.4); c.4329G>C, p.Leu1443= (NM_001128839.3); c.4434G>C (NM_000720.3).
Identifiers: ClinVar variation 1612837 (VCV001612837.9), dbSNP rs1258051359, ClinGen allele CA433802165.

ClinVar aggregate classification (germline): Likely benign. Review status: criteria provided, multiple submitters, no conflicts (2 of 4 stars). 2 submissions from 2 submitters: Likely benign (2). Last evaluated 2025-10-08.

Conditions:
CACNA1D-related disorder.

Allele frequency attached by ClinVar (database versions not stated): gnomAD exomes 0.00001.
gnomAD v4.1: 14 of 1,614,076 alleles (0.00087%); highest among the groups gnomAD compares: Non-Finnish European, 0.0012%; no homozygotes.

Submissions (2):

Labcorp Genetics (formerly Invitae), Labcorp
Classification: Likely benign. Last evaluated: 2025-10-08. Review status: criteria provided, single submitter. Criteria: Invitae Variant Classification Sherloc (09022015). Collection method: clinical testing. Allele origin: germline.

PreventionGenetics, part of Exact Sciences
Classification: Likely benign for CACNA1D-related condition. Last evaluated: 2025-03-19. Review status: criteria provided, single submitter. Criteria: ACMG Guidelines, 2015. Collection method: clinical testing. Allele origin: germline.
Comment: This variant is classified as likely benign based on ACMG/AMP sequence variant interpretation guidelines (Richards et al. 2015 PMID: 25741868, with internal and published modifications).